The following is an entry in ClinVar:

NM_000051.4(ATM):c.9152G>C (p.Gly3051Ala)

Genes: C11orf65 (chromosome 11 open reading frame 65; minus strand), ATM (ATM serine/threonine kinase; plus strand). Cytogenetic location: 11q22.3.
Variant type: single nucleotide variant.
Coding change: c.9152G>C on transcript NM_000051.4 (MANE Select); coding-DNA position 9152, G replaced by C.
Protein change: p.Gly3051Ala; replaces glycine 3051 with alanine.
Molecular consequence: missense variant. On other transcripts: intron variant (2).
Genome position (GRCh38, 1-based): chr11:108,365,489, G>C. VCF-style: chr11-108365489-G-C. GRCh37 (hg19) VCF-style: chr11-108236216-G-C.
Other names: c.9152G>C, p.Gly3051Ala (NM_001351834.2); c.640+20431C>G (NM_001330368.2); c.694+20431C>G (NM_001351110.2); short protein forms G3051A.
Identifiers: ClinVar variation 524399 (VCV000524399.11), dbSNP rs1555152073, ClinGen allele CA382532151.

ClinVar aggregate classification (germline): Uncertain significance. Review status: criteria provided, multiple submitters, no conflicts (2 of 4 stars). 2 submissions from 2 submitters: Uncertain significance (2). Last evaluated 2024-07-15.

Conditions:
Ataxia-telangiectasia syndrome (AT). Also called: Cerebello-oculocutaneous telangiectasia; Immunodeficiency with ataxia telangiectasia; Ataxia-telangiectasia, complementation group E; Ataxia-telangiectasia, complementation group D; AT, COMPLEMENTATION GROUP C; ATAXIA-TELANGIECTASIA, COMPLEMENTATION GROUP A. Identifiers: Orphanet 100, MedGen C0004135, MONDO:0008840, OMIM 208900.
ATM-related cancer predisposition. Also called: ATM-related cancer susceptibility. Identifiers: MedGen CN377759, MONDO:0700270.
Hereditary cancer-predisposing syndrome. Also called: Hereditary Cancer Syndrome; Neoplastic Syndromes, Hereditary; Tumor predisposition; Hereditary neoplastic syndrome. Identifiers: Orphanet 140162, MedGen C0027672, MeSH D009386, MONDO:0015356.

Submissions (2):

Labcorp Genetics (formerly Invitae), Labcorp
Classification: Uncertain significance for Ataxia-telangiectasia syndrome. Last evaluated: 2024-07-15. Review status: criteria provided, single submitter. Criteria: Invitae Variant Classification Sherloc (09022015). Collection method: clinical testing. Allele origin: germline.
Comment: This sequence change replaces glycine, which is neutral and non-polar, with alanine, which is neutral and non-polar, at codon 3051 of the ATM protein (p.Gly3051Ala). This variant is not present in population databases (gnomAD no frequency). This variant has not been reported in the literature in individuals affected with ATM-related conditions. ClinVar contains an entry for this variant (Variation ID: 524399). An algorithm developed to predict the effect of missense changes on protein structure and function (PolyPhen-2) suggests that this variant is likely to be disruptive. In summary, the available evidence is currently insufficient to determine the role of this variant in disease. Therefore, it has been classified as a Variant of Uncertain Significance.

Ambry Genetics
Classification: Uncertain significance for Hereditary cancer-predisposing syndrome. Last evaluated: 2023-12-01. Review status: criteria provided, single submitter. Criteria: Ambry Variant Classification Scheme 2023. Collection method: clinical testing. Allele origin: germline.
Comment: The p.G3051A variant (also known as c.9152G>C), located in coding exon 62 of the ATM gene, results from a G to C substitution at nucleotide position 9152. The glycine at codon 3051 is replaced by alanine, an amino acid with similar properties. This amino acid position is conserved. In addition, this alteration is predicted to be deleterious by in silico analysis. Since supporting evidence is limited at this time, the clinical significance of this alteration remains unclear.